The following is an entry in ClinVar:

ClinVar aggregate classification (germline): Benign/Likely benign. Review status: criteria provided, multiple submitters, no conflicts (2 of 4 stars). 3 submissions from 3 submitters: Benign (1); Likely benign (2). Last evaluated 2025-08-06.

Conditions:
Osteopetrosis with renal tubular acidosis (OPTB3). Also called: Autosomal recessive osteopetrosis 3. Identifiers: Orphanet 2785, MedGen C0345407, MONDO:0009818, OMIM 259730.

Allele frequency attached by ClinVar (database versions not stated): gnomAD 0.00031 and 0.00003; gnomAD exomes 0.00048 and 0.00105; ExAC 0.00106; 1000 Genomes Project 30x 0.00250; 1000 Genomes Project 0.00300; TOPMed 0.00006; ESP Exome Variant Server 0.00008.
gnomAD v4.1: 747 of 1,614,078 alleles (0.046%); highest among the groups gnomAD compares: South Asian, 0.78%; 10 homozygotes.

Submissions (3):

Labcorp Genetics (formerly Invitae), Labcorp
Classification: Benign. Last evaluated: 2025-08-06. Review status: criteria provided, single submitter. Criteria: Invitae Variant Classification Sherloc (09022015). Collection method: clinical testing. Allele origin: germline.

Fulgent Genetics
Classification: Likely benign for Osteopetrosis with renal tubular acidosis. Last evaluated: 2021-10-02. Review status: criteria provided, single submitter. Criteria: ACMG Guidelines, 2015. Collection method: clinical testing. Allele origin: unknown.

Illumina Laboratory Services, Illumina
Classification: Likely benign for Osteopetrosis with renal tubular acidosis. Last evaluated: 2018-01-12. Review status: criteria provided, single submitter. Criteria: ICSL Variant Classification Criteria 13 December 2019. Collection method: clinical testing. Allele origin: germline.
Comment: This variant was observed in the ICSL laboratory as part of a predisposition screen in an ostensibly healthy population. It had not been previously curated by ICSL or reported in the Human Gene Mutation Database (HGMD: prior to June 1st, 2018), and was therefore a candidate for classification through an automated scoring system. Utilizing variant allele frequency, disease prevalence and penetrance estimates, and inheritance mode, an automated score was calculated to assess if this variant is too frequent to cause the disease. Based on the score and internal cut-off values, a variant classified as likely benign is not then subjected to further curation. The score for this variant resulted in a classification of likely benign for this disease.

NM_000067.3(CA2):c.648C>T (p.Ser216=)

Gene: CA2 (carbonic anhydrase 2; plus strand). Cytogenetic location: 8q21.2.
Variant type: single nucleotide variant.
Coding change: c.648C>T on transcript NM_000067.3 (MANE Select); coding-DNA position 648, C replaced by T.
Protein change: p.Ser216=; no amino-acid change (serine 216 retained).
Molecular consequence: synonymous variant.
Genome position (GRCh38, 1-based): chr8:85,477,260, C>T. VCF-style: chr8-85477260-C-T. GRCh37 (hg19) VCF-style: chr8-86389489-C-T.
Other names: c.345C>T, p.Ser115= (NM_001293675.2).
Identifiers: ClinVar variation 363836 (VCV000363836.15), dbSNP rs376387073, ClinGen allele CA4796589.
Genomic context (GRCh38, chr8:85,477,260, plus strand): 5'-ACTGACCACCCCTCCTCTTCTGGAATGTGTGACCTGGATTGTGCTCAAGGAACCCATCAG[C>T]GTCAGCAGCGAGCAGGTTTGTTTTGTAATGACAGGTCTGTTTACGGGTGGAGCATTTAGT-3'
Protein context (NP_000058.1, residues 206-226): VTWIVLKEPI[Ser216=]VSSEQVLKFR